The following is an entry in ClinVar:

ClinVar aggregate classification (germline): Pathogenic. Review status: criteria provided, multiple submitters, no conflicts (2 of 4 stars). 3 submissions from 3 submitters: Pathogenic (2). 1 of the submissions does not count toward it. Last evaluated 2025-04-21.

Conditions:
GM1 gangliosidosis type 3. Also called: GANGLIOSIDOSIS, GENERALIZED GM1, ADULT TYPE; GANGLIOSIDOSIS, GENERALIZED GM1, CHRONIC TYPE; GANGLIOSIDOSIS, GENERALIZED GM1, TYPE III; GM1-GANGLIOSIDOSIS, TYPE III; Beta-galactosidase deficiency; Adult GM1 gangliosidosis. Identifiers: Orphanet 79257, MedGen C0268273, MONDO:0009262, OMIM 230650.
GM1 gangliosidosis type 2. Also called: GANGLIOSIDOSIS, GENERALIZED GM1, JUVENILE TYPE; GANGLIOSIDOSIS, GENERALIZED GM1, TYPE II; GM1-GANGLIOSIDOSIS, TYPE II; Juvenile GM>1< gangliosidosis; Gangliosidosis, Generalized GM1, Type 2. Identifiers: Orphanet 354, Orphanet 79256, MedGen C0268272, MONDO:0009261, OMIM 230600.
Infantile GM1 gangliosidosis. Also called: GM1 gangliosidosis type 1; GM1-gangliosidosis, type I; Gangliosidosis, generalized GM1, infantile form; GLB1 deficiency; Gangliosidosis, Generalized GM1, Type 1. Identifiers: Orphanet 354, Orphanet 79255, MedGen C0268271, MONDO:0009260, OMIM 230500.
Mucopolysaccharidosis, MPS-IV-B (MPS4B). Also called: Mucopolysaccharidosis type 4B; Mucopolysaccharidosis Type IVB (Morquio B Disease); MORQUIO SYNDROME B; Mucopolysaccharidosis type IVB (Morquio); MPS IVB; Mucopolysaccharidosis type IV B. Identifiers: Orphanet 309310, Orphanet 582, MedGen C0086652, MONDO:0009660, OMIM 253010.
GM1 gangliosidosis. Identifiers: Orphanet 354, MedGen C0085131, MONDO:0018149.
GLB1-related disorder. Also called: GLB1-related disorders. Identifiers: MedGen CN377807.

Submissions (3):

Myriad Genetics, Inc.
Classification: Pathogenic for GLB1-related disorder. Last evaluated: 2025-04-21. Review status: criteria provided, single submitter. Criteria: Myriad Autosomal Dominant, Autosomal Recessive and X-Linked Classification Criteria (2023). Collection method: clinical testing. Allele origin: unknown.
Comment: NM_000404.2(GLB1):c.1510_1511insGA(N504Rfs*97) is a frameshift variant classified as pathogenic in the context of GLB1-related disorders. N504Rfs*97 has not been observed in cases with relevant disease. Relevant functional assessments of this variant are not available in the literature. N504Rfs*97 has not been observed in referenced population frequency databases. In summary, NM_000404.2(GLB1):c.1510_1511insGA(N504Rfs*97) is a frameshift variant in a gene where loss of function is a known mechanism of disease and is predicted to disrupt protein function. Please note: this variant was assessed in the context of healthy population screening.

Labcorp Genetics (formerly Invitae), Labcorp
Classification: Pathogenic for Mucopolysaccharidosis, MPS-IV-B; GM1 gangliosidosis. Last evaluated: 2024-10-07. Review status: criteria provided, single submitter. Criteria: Invitae Variant Classification Sherloc (09022015). Collection method: clinical testing. Allele origin: germline.
Comment: This sequence change creates a premature translational stop signal (p.Asn504Argfs*97) in the GLB1 gene. While this is not anticipated to result in nonsense mediated decay, it is expected to disrupt the last 174 amino acid(s) of the GLB1 protein. This variant is not present in population databases (gnomAD no frequency). This variant has not been reported in the literature in individuals affected with GLB1-related conditions. ClinVar contains an entry for this variant (Variation ID: 555117). This variant disrupts a region of the GLB1 protein in which other variant(s) (p.Arg590Cys) have been determined to be pathogenic (PMID: 16941474, 17309651, 23430803). This suggests that this is a clinically significant region of the protein, and that variants that disrupt it are likely to be disease-causing. For these reasons, this variant has been classified as Pathogenic.

Counsyl
Classification: Likely pathogenic for Infantile GM1 gangliosidosis; GM1 gangliosidosis type 2; GM1 gangliosidosis type 3; Mucopolysaccharidosis, MPS-IV-B. Last evaluated: 2017-11-25. Review status: no assertion criteria provided. Collection method: clinical testing. Allele origin: unknown. Not counted in ClinVar's aggregate classification.

Literature cited by the submitters: PubMed 16941474 (cited by Labcorp Genetics (formerly Invitae), Labcorp); PubMed 17309651 (cited by Labcorp Genetics (formerly Invitae), Labcorp and Counsyl); PubMed 23430803 (cited by Labcorp Genetics (formerly Invitae), Labcorp); PubMed 17221873 (cited by Counsyl).

NM_000404.4(GLB1):c.1510_1511insGA (p.Asn504fs)

Gene: GLB1 (galactosidase beta 1; minus strand). Cytogenetic location: 3p22.3.
Variant type: Insertion.
Coding change: c.1510_1511insGA on transcript NM_000404.4 (MANE Select); coding-DNA positions 1510 to 1511, GA inserted.
Protein change: p.Asn504fs; shifts the reading frame from asparagine 504.
Molecular consequence: frameshift variant.
Genome position: GRCh38 VCF-style: chr3-33014279-T-TTC. GRCh37 (hg19) VCF-style: chr3-33055771-T-TTC.
Other names: c.1420_1421insGA, p.Asn474fs (NM_001079811.3); c.1117_1118insGA, p.Asn373fs (NM_001135602.3); c.1654_1655insGA, p.Asn552fs (NM_001317040.2); c.1510_1511insGA, p.Asn504fs (NM_001393580.1); short protein forms N474fs, N373fs, N504fs, N552fs.
Identifiers: ClinVar variation 555117 (VCV000555117.8), dbSNP rs1553606128, ClinGen allele CA658821728.